The following is an entry in ClinVar:

NM_004946.3(DOCK2):c.3456C>G (p.Leu1152=)

Gene: DOCK2 (dedicator of cytokinesis 2; plus strand). Cytogenetic location: 5q35.1.
Variant type: single nucleotide variant.
Coding change: c.3456C>G on transcript NM_004946.3 (MANE Select); coding-DNA position 3456, C replaced by G.
Protein change: p.Leu1152=; no amino-acid change (leucine 1152 retained).
Molecular consequence: synonymous variant. On other transcripts: non-coding transcript variant (1).
Genome position (GRCh38, 1-based): chr5:170,027,937, C>G. VCF-style: chr5-170027937-C-G. GRCh37 (hg19) VCF-style: chr5-169454941-C-G.
Other names: p.Leu1152=; c.3456C>G (NM_004946.2).
Identifiers: ClinVar variation 1165007 (VCV001165007.16), dbSNP rs9791113, ClinGen allele CA3554211.

ClinVar aggregate classification (germline): Benign. Review status: criteria provided, multiple submitters, no conflicts (2 of 4 stars). 5 submissions from 5 submitters: Benign (5). Last evaluated 2026-02-04.

Conditions:
DOCK2 deficiency. Also called: Immunodeficiency 40. Identifiers: Orphanet 447737, MedGen C4225328, MONDO:0014637, OMIM 616433.

Allele frequency attached by ClinVar (database versions not stated): 1000 Genomes Project 30x 0.48173; gnomAD 0.40563 and 0.40834; 1000 Genomes Project 0.48622; ESP Exome Variant Server 0.40589; TOPMed 0.41703.
gnomAD v4.1: 579,580 of 1,609,376 alleles (36%); highest among the groups gnomAD compares: East Asian, 56%; 108,811 homozygotes.

Submissions (5):

Labcorp Genetics (formerly Invitae), Labcorp
Classification: Benign for DOCK2 deficiency. Last evaluated: 2026-02-04. Review status: criteria provided, single submitter. Criteria: Invitae Variant Classification Sherloc (09022015). Collection method: clinical testing. Allele origin: germline.

Women's Health and Genetics/Laboratory Corporation of America, LabCorp
Classification: Benign. Last evaluated: 2026-01-21. Review status: criteria provided, single submitter. Criteria: LabCorp Variant Classification Summary - May 2015. Collection method: clinical testing. Allele origin: germline.

Unidad de Genómica Garrahan, Hospital de Pediatría Garrahan
Classification: Benign. Last evaluated: 2024-01-24. Review status: criteria provided, single submitter. Criteria: ACMG Guidelines, 2015. Collection method: clinical testing. Allele origin: germline. Affected: no. Observed: 60 variant alleles.
Comment: This variant is classified as Benign based on local population frequency. This variant was detected in 63% of patients studied by a panel of primary immunodeficiencies. Number of patients: 60. Only high quality variants are reported.

Mayo Clinic Laboratories, Mayo Clinic
Classification: Benign. Last evaluated: 2022-09-06. Review status: criteria provided, single submitter. Criteria: ACMG Guidelines, 2015. Collection method: clinical testing. Allele origin: germline. Observed: 16 variant alleles.

Genome-Nilou Lab
Classification: Benign for DOCK2 deficiency. Last evaluated: 2021-07-30. Review status: criteria provided, single submitter. Criteria: ACMG Guidelines, 2015. Collection method: clinical testing. Allele origin: germline. Affected: no.